The following is an entry in ClinVar:

NM_003793.4(CTSF):c.103C>T (p.Pro35Ser)

Gene: CTSF (cathepsin F; minus strand). Cytogenetic location: 11q13.2.
Variant type: single nucleotide variant.
Coding change: c.103C>T on transcript NM_003793.4 (MANE Select); coding-DNA position 103, C replaced by T.
Protein change: p.Pro35Ser; replaces proline 35 with serine.
Molecular consequence: missense variant.
Genome position (GRCh38, 1-based): chr11:66,568,384, G>A on the plus strand (C>T on the coding strand, the complement: CTSF is on the minus strand). VCF-style: chr11-66568384-G-A. GRCh37 (hg19) VCF-style: chr11-66335855-G-A.
Other names: short protein forms P35S.
Identifiers: ClinVar variation 1710591 (VCV001710591.7), dbSNP rs906858781, ClinGen allele CA224083398.

ClinVar aggregate classification (germline): Uncertain significance. Review status: criteria provided, multiple submitters, no conflicts (2 of 4 stars). 2 submissions from 2 submitters: Uncertain significance (2). Last evaluated 2022-11-11.

Conditions:
Inborn genetic diseases. Identifiers: MedGen C0950123, MeSH D030342.

Allele frequency attached by ClinVar (database versions not stated): gnomAD exomes 0.00001; gnomAD 0.00007; TOPMed 0.00008.
gnomAD v4.1: 25 of 1,308,402 alleles (0.0019%); highest among the groups gnomAD compares: African/African-American, 0.028%; no homozygotes.

Submissions (2):

GeneDx
Classification: Uncertain significance. Last evaluated: 2022-11-11. Review status: criteria provided, single submitter. Criteria: GeneDx Variant Classification Process June 2021. Collection method: clinical testing. Allele origin: germline. Affected: yes.
Comment: In silico analysis supports that this missense variant does not alter protein structure/function; Has not been previously published as pathogenic or benign to our knowledge

Ambry Genetics
Classification: Uncertain significance for Inborn genetic diseases. Last evaluated: 2021-07-16. Review status: criteria provided, single submitter. Criteria: Ambry Variant Classification Scheme 2023. Collection method: clinical testing. Allele origin: germline.